The following is an entry in ClinVar:

NM_078480.3(PUF60):c.478_479del (p.Met160fs)

Gene: PUF60 (poly(U) binding splicing factor 60; minus strand). Cytogenetic location: 8q24.3.
Variant type: Deletion.
Coding change: c.478_479del on transcript NM_078480.3 (MANE Select); coding-DNA positions 478 to 479, 2 bases deleted (AT; older notation c.478_479delAT).
Protein change: p.Met160fs; shifts the reading frame from methionine 160.
Molecular consequence: frameshift variant.
Genome position (GRCh38, 1-based): chr8:143,818,404-143,818,405, AT deleted on the plus strand (AT on the coding strand, the reverse complement: PUF60 is on the minus strand). VCF-style (leftmost placement, unchanged base first): chr8-143818403-CAT-C. GRCh37 (hg19) VCF-style: chr8-144900573-CAT-C.
Other names: c.349_350del, p.Met117fs (NM_001136033.3); c.424_425del, p.Met142fs (NM_001271096.2); c.340_341del, p.Met114fs (NM_001271097.2); c.475_476del, p.Met159fs (NM_001271098.2); c.391_392del, p.Met131fs (NM_001271099.2); c.298_299del, p.Met100fs (NM_001271100.2); c.589_590del, p.Met197fs (NM_001362895.2, NM_001362896.2); c.538_539del, p.Met180fs (NM_001362897.2); and 2 more; short protein forms M117fs, M143fs, M180fs, M197fs, M100fs, M114fs, M142fs, M159fs.
Identifiers: ClinVar variation 520562 (VCV000520562.5), dbSNP rs1554643473, ClinGen allele CA658797156.

ClinVar aggregate classification (germline): Likely pathogenic (1 of 4 stars; one submission).

Conditions:
Inborn genetic diseases. Identifiers: MedGen C0950123, MeSH D030342.
8q24.3 microdeletion syndrome. Also called: CHROMOSOME 8q24.3 DELETION SYNDROME; Verheij syndrome. Identifiers: Orphanet 508488, MedGen C3810023, MONDO:0014263, OMIM 615583.

Submission:

Ambry Genetics
Classification: Likely pathogenic for Inborn genetic diseases. Last evaluated: 2014-07-01. Review status: criteria provided, single submitter. Criteria: Ambry exome assertion method (8-5-2015). Collection method: clinical testing. Allele origin: germline. Affected: yes. Observed: 1 variant allele.